The following is an entry in ClinVar:

NM_015447.4(CAMSAP1):c.2724G>A (p.Leu908=)

Gene: CAMSAP1 (calmodulin regulated spectrin associated protein 1; minus strand). Cytogenetic location: 9q34.3.
Variant type: single nucleotide variant.
Coding change: c.2724G>A on transcript NM_015447.4 (MANE Select); coding-DNA position 2724, G replaced by A.
Protein change: p.Leu908=; no amino-acid change (leucine 908 retained).
Molecular consequence: synonymous variant.
Genome position (GRCh38, 1-based): chr9:135,821,937, C>T on the plus strand (G>A on the coding strand, the complement: CAMSAP1 is on the minus strand). VCF-style: chr9-135821937-C-T. GRCh37 (hg19) VCF-style: chr9-138713783-C-T.
Other names: c.1890G>A, p.Leu630= (NM_001411031.1).
Identifiers: ClinVar variation 3778309 (VCV003778309.7).

ClinVar aggregate classification (germline): Likely benign (1 of 4 stars; one submission).

gnomAD v4.1: 2 of 1,612,920 alleles (0.00012%); highest among the groups gnomAD compares: African/African-American, 0.0013%; no homozygotes.

Submission:

CeGaT Center for Human Genetics Tuebingen
Classification: Likely benign. Last evaluated: 2025-03-01. Review status: criteria provided, single submitter. Criteria: CeGaT Center For Human Genetics Tuebingen Variant Classification Criteria Version 2. Collection method: clinical testing. Allele origin: germline. Affected: yes. Observed: 1 variant allele.
Comment: CAMSAP1: BP4, BP7